The following is an entry in ClinVar:

ClinVar aggregate classification (germline): Uncertain significance (1 of 4 stars; one submission).

Conditions:
Pfeiffer syndrome (ACS5). Also called: ACS V. Identifiers: Orphanet 710, MedGen C0220658, MONDO:0007043, OMIM 101600.
Hypogonadotropic hypogonadism 2 with or without anosmia (HH2). Also called: FGFR1-Related GnRH Deficiency (Kallmann Syndrome 2); HYPOGONADOTROPIC HYPOGONADISM 2 WITH OR WITHOUT ANOSMIA, SUSCEPTIBILITY TO; HYPOGONADOTROPIC HYPOGONADISM 2 WITHOUT ANOSMIA, SUSCEPTIBILITY TO; HYPOGONADOTROPIC HYPOGONADISM 2 WITHOUT ANOSMIA. Identifiers: Orphanet 478, MedGen C1563720, MONDO:0007844, OMIM 147950. Disease mechanism: loss of function.

Submission:

Labcorp Genetics (formerly Invitae), Labcorp
Classification: Uncertain significance for Pfeiffer syndrome; Hypogonadotropic hypogonadism 2 with or without anosmia. Last evaluated: 2026-01-08. Review status: criteria provided, single submitter. Criteria: Invitae Variant Classification Sherloc (09022015). Collection method: clinical testing. Allele origin: germline.
Comment: This variant, c.682_684dup, results in the insertion of 1 amino acid(s) of the FGFR1 protein (p.Tyr228dup), but otherwise preserves the integrity of the reading frame. This variant is not present in population databases (gnomAD no frequency). This variant has not been reported in the literature in individuals affected with FGFR1-related conditions. Experimental studies and prediction algorithms are not available or were not evaluated, and the functional significance of this variant is currently unknown. In summary, the available evidence is currently insufficient to determine the role of this variant in disease. Therefore, it has been classified as a Variant of Uncertain Significance.

NM_023110.3(FGFR1):c.682_684dup (p.Tyr228_Thr229insTyr)

Gene: FGFR1 (fibroblast growth factor receptor 1; minus strand). Cytogenetic location: 8p11.23.
Variant type: Duplication.
Coding change: c.682_684dup on transcript NM_023110.3 (MANE Select); coding-DNA positions 682 to 684, 3 bases duplicated (TAC; older notation c.682_684dupTAC).
Protein change: p.Tyr228_Thr229insTyr.
Genome position (GRCh38, 1-based): chr8:38,426,183-38,426,185, GTA duplicated on the plus strand (TAC on the coding strand, the reverse complement: FGFR1 is on the minus strand); duplicating any 3 consecutive bases within chr8:38,426,183-38,426,187 gives the same sequence; the c. name uses the placement nearest the transcript's 3' end. VCF-style (leftmost placement, unchanged base first): chr8-38426182-T-TGTA. GRCh37 (hg19) VCF-style: chr8-38283700-T-TGTA.
Other names: c.682_684dup, p.Tyr228_Thr229insTyr (NM_001174063.2); c.658_660dup, p.Tyr220_Thr221insTyr (NM_001174064.2); c.676_678dup, p.Tyr226_Thr227insTyr (NM_001174065.2, NM_001354367.2, NM_001354369.2 and 2 more transcripts); c.415_417dup, p.Tyr139_Thr140insTyr (NM_001174066.2, NM_023105.3); c.775_777dup, p.Tyr259_Thr260insTyr (NM_001174067.2); c.409_411dup, p.Tyr137_Thr138insTyr (NM_001354368.2, NM_001354370.2, NM_023106.3).
Identifiers: ClinVar variation 4787219 (VCV004787219.1).